The following is an entry in ClinVar:

ClinVar aggregate classification (germline): Pathogenic/Likely pathogenic. Review status: criteria provided, multiple submitters, no conflicts (2 of 4 stars). 4 submissions from 4 submitters: Pathogenic (1); Likely pathogenic (3). Last evaluated 2025-09-08.

Conditions:
Mitochondrial complex I deficiency. Also called: NADH:Q(1) OXIDOREDUCTASE DEFICIENCY. Identifiers: Orphanet 2609, MedGen C1838979, MeSH C537475, MONDO:0100133.
Acyl-CoA dehydrogenase 9 deficiency. Also called: Acyl-CoA dehydrogenase family, member 9, deficiency of; MITOCHONDRIAL COMPLEX I DEFICIENCY, NUCLEAR TYPE 20. Identifiers: Orphanet 99901, MedGen C4747517, MONDO:0012624, OMIM 611126.

Submissions (4):

Natera, Inc.
Classification: Pathogenic for ACAD9 deficiency. Last evaluated: 2025-09-08. Review status: criteria provided, single submitter. Criteria: Natera Variant Classification Schema (03/2026). Collection method: clinical testing. Allele origin: germline.
Comment: The c.151-1_151delGA variant in ACAD9 is a canonical splice acceptor site variant predicted to affect pre-mRNA splicing, which may result in an abnormal transcript and altered protein product. This variant is expected to result in nonsense mediated decay, truncation, or a dysfunctional protein product. This variant is rare in the general population with a frequency below the threshold expected for the associated phenotype(s). Another variant at this same site results in an alteration predicted to cause a similar molecular effect has been observed in individual(s) with the associated phenotype. Given the available evidence, this variant is classified as Pathogenic.

Fulgent Genetics
Classification: Likely pathogenic for Acyl-CoA dehydrogenase 9 deficiency. Last evaluated: 2024-06-17. Review status: criteria provided, single submitter. Criteria: ACMG Guidelines, 2015. Collection method: clinical testing. Allele origin: germline.

Labcorp Genetics (formerly Invitae), Labcorp
Classification: Likely pathogenic. Last evaluated: 2024-03-03. Review status: criteria provided, single submitter. Criteria: Invitae Variant Classification Sherloc (09022015). Collection method: clinical testing. Allele origin: germline.
Comment: This variant results in the deletion of part of exon 2 (c.151-1_151del) of the ACAD9 gene. It is expected to disrupt RNA splicing. Variants that disrupt the donor or acceptor splice site typically lead to a loss of protein function (PMID: 16199547), and loss-of-function variants in ACAD9 are known to be pathogenic (PMID: 25721401). This variant is present in population databases (rs766026673, gnomAD 0.02%). This variant has not been reported in the literature in individuals affected with ACAD9-related conditions. ClinVar contains an entry for this variant (Variation ID: 848539). Algorithms developed to predict the effect of sequence changes on RNA splicing suggest that this variant may disrupt the consensus splice site. In summary, the currently available evidence indicates that the variant is pathogenic, but additional data are needed to prove that conclusively. Therefore, this variant has been classified as Likely Pathogenic.

Women's Health and Genetics/Laboratory Corporation of America, LabCorp
Classification: Likely pathogenic for Mitochondrial complex I deficiency. Last evaluated: 2022-07-14. Review status: criteria provided, single submitter. Criteria: LabCorp Variant Classification Summary - May 2015. Collection method: clinical testing. Allele origin: germline.
Comment: Variant summary: ACAD9 c.151-1_151delGA is located in a canonical splice-site and is predicted to affect mRNA splicing resulting in a significantly altered protein due to either exon skipping, shortening, or inclusion of intronic material. Several computational tools predict a significant impact on normal splicing: Three predict the variant abolishes a canonical 3 acceptor site and creates a new cryptic exonic one, resulting in the deletion of part of exon 2. However, these predictions have yet to be confirmed by functional studies. The variant allele was found at a frequency of 1.6e-05 in 249802 control chromosomes (gnomAD). To our knowledge, no occurrence of c.151-1_151delGA in individuals affected with Mitochondrial Complex I Deficiency, Nuclear Type 20 and no experimental evidence demonstrating its impact on protein function have been reported. Two ClinVar submitters (evaluation after 2014) cite the variant as likely pathogenic. Based on the evidence outlined above, the variant was classified as likely pathogenic.

Literature cited by the submitters: PubMed 16199547 (cited by Labcorp Genetics (formerly Invitae), Labcorp); PubMed 25721401 (cited by Labcorp Genetics (formerly Invitae), Labcorp).

NM_014049.5(ACAD9):c.151-1_151del

Gene: ACAD9 (acyl-CoA dehydrogenase family member 9; plus strand). Cytogenetic location: 3q21.3.
Variant type: Deletion.
Coding change: c.151-1_151del on transcript NM_014049.5 (MANE Select); the canonical splice acceptor site of the intron before coding-DNA position 151 through coding-DNA position 151, 2 bases deleted (GA; older notation c.151-1_151delGA).
Molecular consequence: splice acceptor variant.
Genome position (GRCh38, 1-based): chr3:128,884,652-128,884,653, GA deleted; deleting any 2 consecutive bases within chr3:128,884,651-128,884,653 gives the same sequence; the c. name uses the placement nearest the transcript's 3' end. VCF-style (leftmost placement, unchanged base first): chr3-128884650-TAG-T. GRCh37 (hg19) VCF-style: chr3-128603493-TAG-T.
Other names: c.151-1_151delGA (NM_014049.5, NM_014049.4).
Identifiers: ClinVar variation 848539 (VCV000848539.15), dbSNP rs766026673, ClinGen allele CA2601065.